The following is an entry in ClinVar:

ClinVar aggregate classification (germline): Likely benign. Review status: criteria provided, multiple submitters, no conflicts (2 of 4 stars). 5 submissions from 5 submitters: Likely benign (4). 1 of the submissions does not count toward it. Last evaluated 2026-05-13.

Conditions:
FBN2-related disorder. Also called: FBN2-related condition.
Congenital contractural arachnodactyly (CCA). Also called: BEALS SYNDROME; Arthrogryposis, distal, type 9; Beals-Hecht syndrome. Identifiers: Orphanet 115, MedGen C0220668, MONDO:0007363, OMIM 121050.

Allele frequency attached by ClinVar (database versions not stated): ExAC 0.00002; gnomAD 0.00003; gnomAD exomes 0.00004 and 0.00007; TOPMed 0.00006; ESP Exome Variant Server 0.00008.
gnomAD v4.1: 110 of 1,613,692 alleles (0.0068%); highest among the groups gnomAD compares: Non-Finnish European, 0.0081%; no homozygotes.

Submissions (5):

Women's Health and Genetics/Laboratory Corporation of America, LabCorp
Classification: Likely benign. Last evaluated: 2026-05-13. Review status: criteria provided, single submitter. Criteria: LabCorp Variant Classification Summary - May 2015. Collection method: clinical testing. Allele origin: germline.

Labcorp Genetics (formerly Invitae), Labcorp
Classification: Likely benign for Congenital contractural arachnodactyly. Last evaluated: 2026-01-14. Review status: criteria provided, single submitter. Criteria: Invitae Variant Classification Sherloc (09022015). Collection method: clinical testing. Allele origin: germline.

Blueprint Genetics
Classification: Likely benign. Last evaluated: 2022-11-22. Review status: criteria provided, single submitter. Criteria: ACMG Guidelines, 2015. Collection method: clinical testing. Allele origin: germline.

GeneDx
Classification: Likely benign. Last evaluated: 2018-05-07. Review status: criteria provided, single submitter. Criteria: GeneDx Variant Classification Process June 2021. Collection method: clinical testing. Allele origin: germline. Affected: yes.

PreventionGenetics, part of Exact Sciences
Classification: Likely benign for FBN2-related condition. Last evaluated: 2021-01-02. Review status: no assertion criteria provided. Collection method: clinical testing. Allele origin: germline. Not counted in ClinVar's aggregate classification.
Comment: This variant is classified as likely benign based on ACMG/AMP sequence variant interpretation guidelines (Richards et al. 2015 PMID: 25741868, with internal and published modifications).

NM_001999.4(FBN2):c.2674+10A>G

Gene: FBN2 (fibrillin 2; minus strand). Cytogenetic location: 5q23.3.
Variant type: single nucleotide variant.
Coding change: c.2674+10A>G on transcript NM_001999.4 (MANE Select); 10 bases into the intron after coding-DNA position 2674, A replaced by G.
Molecular consequence: intron variant.
Genome position (GRCh38, 1-based): chr5:128,357,266, T>C on the plus strand (A>G on the coding strand, the complement: FBN2 is on the minus strand). VCF-style: chr5-128357266-T-C. GRCh37 (hg19) VCF-style: chr5-127692958-T-C.
Identifiers: ClinVar variation 239081 (VCV000239081.16), dbSNP rs371734006, ClinGen allele CA3395484.